The following is an entry in ClinVar:

ClinVar aggregate classification (germline): Uncertain significance (1 of 4 stars; one submission).

Conditions:
Inborn genetic diseases. Identifiers: MedGen C0950123, MeSH D030342.

Submission:

Ambry Genetics
Classification: Uncertain significance for Inborn genetic diseases. Last evaluated: 2025-09-04. Review status: criteria provided, single submitter. Criteria: Ambry Variant Classification Scheme 2023. Collection method: clinical testing. Allele origin: germline.
Comment: The p.S633C variant (also known as c.1898C>G), located in coding exon 15 of the BUB1B gene, results from a C to G substitution at nucleotide position 1898. The serine at codon 633 is replaced by cysteine, an amino acid with dissimilar properties. This amino acid position is conserved. In addition, this alteration is predicted to be tolerated by in silico analysis. Based on the available evidence, the clinical significance of this variant remains unclear.

NM_001211.6(BUB1B):c.1898C>G (p.Ser633Cys)

Gene: BUB1B (BUB1 mitotic checkpoint serine/threonine kinase B; plus strand). Cytogenetic location: 15q15.1.
Variant type: single nucleotide variant.
Coding change: c.1898C>G on transcript NM_001211.6 (MANE Select); coding-DNA position 1898, C replaced by G.
Protein change: p.Ser633Cys; replaces serine 633 with cysteine.
Molecular consequence: missense variant.
Genome position (GRCh38, 1-based): chr15:40,206,347, C>G. VCF-style: chr15-40206347-C-G. GRCh37 (hg19) VCF-style: chr15-40498548-C-G.
Other names: short protein forms S633C.
Identifiers: ClinVar variation 4216976 (VCV004216976.1).